The following is an entry in ClinVar:

NM_014017.4(LAMTOR2):c.188C>A (p.Ala63Glu)

Genes: LAMTOR2 (late endosomal/lysosomal adaptor, MAPK and MTOR activator 2; plus strand), LOC129931594 (ATAC-STARR-seq lymphoblastoid active region 1836; plus strand). Cytogenetic location: 1q22.
Variant type: single nucleotide variant.
Coding change: c.188C>A on transcript NM_014017.4 (MANE Select); coding-DNA position 188, C replaced by A.
Protein change: p.Ala63Glu; replaces alanine 63 with glutamic acid.
Molecular consequence: missense variant.
Genome position (GRCh38, 1-based): chr1:156,055,382, C>A. VCF-style: chr1-156055382-C-A. GRCh37 (hg19) VCF-style: chr1-156025173-C-A.
Other names: c.188C>A, p.Ala63Glu (NM_001145264.2); short protein forms A63E.
Identifiers: ClinVar variation 3661563 (VCV003661563.2).

ClinVar aggregate classification (germline): Uncertain significance (1 of 4 stars; one submission).

Submission:

Labcorp Genetics (formerly Invitae), Labcorp
Classification: Uncertain significance. Last evaluated: 2024-11-13. Review status: criteria provided, single submitter. Criteria: Invitae Variant Classification Sherloc (09022015). Collection method: clinical testing. Allele origin: germline.
Comment: This sequence change replaces alanine, which is neutral and non-polar, with glutamic acid, which is acidic and polar, at codon 63 of the LAMTOR2 protein (p.Ala63Glu). This variant is not present in population databases (gnomAD no frequency). This variant has not been reported in the literature in individuals affected with LAMTOR2-related conditions. An algorithm developed to predict the effect of missense changes on protein structure and function (PolyPhen-2) suggests that this variant is likely to be disruptive. In summary, the available evidence is currently insufficient to determine the role of this variant in disease. Therefore, it has been classified as a Variant of Uncertain Significance.